The following is an entry in ClinVar:

ClinVar aggregate classification (germline): Uncertain significance. Review status: criteria provided, multiple submitters, no conflicts (2 of 4 stars). 4 submissions from 4 submitters: Uncertain significance (4). Last evaluated 2024-08-05.

Conditions:
Hypertrophic cardiomyopathy 9. Also called: Familial hypertrophic cardiomyopathy 9. Identifiers: MedGen C1861065, MONDO:0013412, OMIM 613765.
Tibial muscular dystrophy (TMD). Also called: Tibial muscular dystrophy, tardive; UDD MYOPATHY; Udd Distal Myopathy – Tibial Muscular Dystrophy. Identifiers: Orphanet 609, MedGen C1838244, MONDO:0010870, OMIM 600334.
Myopathy, myofibrillar, 9, with early respiratory failure (MFM9). Also called: MYOPATHY, PROXIMAL, WITH EARLY RESPIRATORY MUSCLE INVOLVEMENT; Myopathy, distal, with early respiratory failure, autosomal dominant; Hereditary myopathy with early respiratory failure; EDSTROM MYOPATHY. Identifiers: Orphanet 178464, Orphanet 34521, MedGen C1863599, MONDO:0011362, OMIM 603689.
Early-onset myopathy with fatal cardiomyopathy (CMYO5). Also called: CONGENITAL MYOPATHY 5 WITH CARDIOMYOPATHY; Salih Myopathy. Identifiers: Orphanet 289377, MedGen C2673677, MONDO:0012714, OMIM 611705. Disease mechanism: loss of function.
Dilated cardiomyopathy 1G (CMD1G). Identifiers: Orphanet 154, MedGen C1858763, MONDO:0011400, OMIM 604145.
Autosomal recessive limb-girdle muscular dystrophy type 2J (LGMDR10). Also called: Limb-girdle muscular dystrophy, type 2J; MUSCULAR DYSTROPHY, LIMB-GIRDLE, AUTOSOMAL RECESSIVE 10. Identifiers: Orphanet 140922, MedGen C1837342, MONDO:0012127, OMIM 608807.

Allele frequency attached by ClinVar (database versions not stated): ExAC 0.00001; gnomAD exomes 0.00001; gnomAD 0.00005.
gnomAD v4.1: 15 of 1,601,290 alleles (0.00094%); highest among the groups gnomAD compares: African/African-American, 0.019%; no homozygotes.

Submissions (4):

GeneDx
Classification: Uncertain significance. Last evaluated: 2024-08-05. Review status: criteria provided, single submitter. Criteria: GeneDx Variant Classification Process June 2021. Collection method: clinical testing. Allele origin: germline. Affected: yes.
Comment: Has not been previously published as pathogenic or benign to our knowledge; Missense variant in a gene in which most reported pathogenic variants are truncating/loss of function; Not observed at significant frequency in large population cohorts (gnomAD); This variant is associated with the following publications: (PMID: 27066507)

Fulgent Genetics
Classification: Uncertain significance for Tibial muscular dystrophy; Myopathy, myofibrillar, 9, with early respiratory failure; Dilated cardiomyopathy 1G; Autosomal recessive limb-girdle muscular dystrophy type 2J; Early-onset myopathy with fatal cardiomyopathy; Hypertrophic cardiomyopathy 9. Last evaluated: 2021-11-20. Review status: criteria provided, single submitter. Criteria: ACMG Guidelines, 2015. Collection method: clinical testing. Allele origin: unknown.

Eurofins Ntd Llc (ga)
Classification: Uncertain significance. Last evaluated: 2017-02-02. Review status: criteria provided, single submitter. Criteria: EGL Classification Definitions 2015. Collection method: clinical testing. Allele origin: germline. Observed: 1 variant allele, 1 heterozygote.

Laboratory for Molecular Medicine, Mass General Brigham Personalized Medicine
Classification: Uncertain significance. Last evaluated: 2012-04-04. Review status: criteria provided, single submitter. Criteria: LMM Criteria. Collection method: clinical testing. Allele origin: germline. Observed: 1 variant allele.
Comment: The Lys9691Glu variant in TTN has not been reported in the literature nor previo usly identified by our laboratory. Computational analyses (biochemical amino aci d properties, conservation, AlignGVGD, PolyPhen2, and SIFT) suggest that this va riant may not impact the protein, though this information is not predictive enou gh to rule out pathogenicity. Additional information is needed to fully assess t he clinical significance of the Lys9691Glu variant.

NM_001267550.2(TTN):c.32803A>G (p.Lys10935Glu)

Gene: TTN (titin; minus strand). Cytogenetic location: 2q31.2.
Variant type: single nucleotide variant.
Coding change: c.32803A>G on transcript NM_001267550.2 (MANE Select); coding-DNA position 32803, A replaced by G.
Protein change: p.Lys10935Glu; replaces lysine 10935 with glutamic acid.
Molecular consequence: missense variant. On other transcripts: intron variant (3).
Genome position (GRCh38, 1-based): chr2:178,684,002, T>C on the plus strand (A>G on the coding strand, the complement: TTN is on the minus strand). VCF-style: chr2-178684002-T-C. GRCh37 (hg19) VCF-style: chr2-179548729-T-C.
Other names: c.31852A>G, p.Lys10618Glu (NM_001256850.1); c.13283-41685A>G (NM_003319.4); c.13859-41685A>G (NM_133437.4); c.13658-41685A>G (NM_133432.3); c.32803A>G (NM_001267550.1); c.29071A>G, p.Lys9691Glu (NM_133378.4); short protein forms K10935E, K9691E, K10618E.
Identifiers: ClinVar variation 46879 (VCV000046879.13), dbSNP rs397517543, ClinGen allele CA139421.